The following is an entry in ClinVar:

ClinVar aggregate classification (germline): Uncertain significance (1 of 4 stars; one submission).

Conditions:
Biotinidase deficiency. Also called: Biotin deficiency; BTD deficiency; Late-onset biotin-responsive multiple carboxylase deficiency. Identifiers: Orphanet 79241, MedGen C0220754, MONDO:0009665, OMIM 253260.

Allele frequency attached by ClinVar (database versions not stated): TOPMed below 0.00001; gnomAD exomes 0.00001.
gnomAD v4.1: 16 of 1,614,190 alleles (0.00099%); highest among the groups gnomAD compares: Non-Finnish European, 0.0012%; no homozygotes.

Submission:

Labcorp Genetics (formerly Invitae), Labcorp
Classification: Uncertain significance for Biotinidase deficiency. Last evaluated: 2021-09-21. Review status: criteria provided, single submitter. Criteria: Invitae Variant Classification Sherloc (09022015). Collection method: clinical testing. Allele origin: germline.
Comment: This sequence change replaces valine with alanine at codon 449 of the BTD protein (p.Val449Ala). The valine residue is highly conserved and there is a small physicochemical difference between valine and alanine. This variant is not present in population databases (ExAC no frequency). This variant has not been reported in the literature in individuals affected with BTD-related conditions. Algorithms developed to predict the effect of missense changes on protein structure and function are either unavailable or do not agree on the potential impact of this missense change (SIFT: "Tolerated"; PolyPhen-2: "Possibly Damaging"; Align-GVGD: "Class C0"). In summary, the available evidence is currently insufficient to determine the role of this variant in disease. Therefore, it has been classified as a Variant of Uncertain Significance.

NM_001370658.1(BTD):c.1286T>C (p.Val429Ala)

Gene: BTD (biotinidase; plus strand). Cytogenetic location: 3p25.1.
Variant type: single nucleotide variant.
Coding change: c.1286T>C on transcript NM_001370658.1 (MANE Select); coding-DNA position 1286, T replaced by C.
Protein change: p.Val429Ala; replaces valine 429 with alanine.
Molecular consequence: missense variant. On other transcripts: intron variant (2).
Genome position (GRCh38, 1-based): chr3:15,645,202, T>C. VCF-style: chr3-15645202-T-C. GRCh37 (hg19) VCF-style: chr3-15686709-T-C.
Other names: c.1286T>C, p.Val429Ala (NM_001281725.3, NM_001323582.2, NM_001407364.1 and 16 more transcripts); c.1346T>C, p.Val449Ala (NM_000060.4); c.1015+271T>C (NM_001370752.1); c.399+3145T>C (NM_001370753.1); short protein forms V429A, V449A.
Identifiers: ClinVar variation 1434552 (VCV001434552.10), dbSNP rs2065663213, ClinGen allele CA351608593.